The following is an entry in ClinVar:

NM_006279.5(ST3GAL3):c.145G>A (p.Ala49Thr)

Gene: ST3GAL3 (ST3 beta-galactoside alpha-2,3-sialyltransferase 3; plus strand). Cytogenetic location: 1p34.1.
Variant type: single nucleotide variant.
Coding change: c.145G>A on transcript NM_006279.5 (MANE Select); coding-DNA position 145, G replaced by A.
Protein change: p.Ala49Thr; replaces alanine 49 with threonine.
Molecular consequence: missense variant. On other transcripts: 5 prime UTR variant (1), non-coding transcript variant (5), intron variant (9).
Genome position (GRCh38, 1-based): chr1:43,792,128, G>A. VCF-style: chr1-43792128-G-A. GRCh37 (hg19) VCF-style: chr1-44257799-G-A.
Other names: c.145G>A, p.Ala49Thr (NM_001270459.2, NM_001270460.2, NM_001350620.2 and 4 more transcripts); c.190G>A, p.Ala64Thr (NM_001350619.2, NM_174963.5, NM_174964.4 and 1 more transcripts); c.-309G>A (NM_001350621.2); c.164-22763G>A (NM_001270465.3, NM_001270463.3); c.119-22763G>A (NM_174971.5, NM_174969.4, NM_001270461.3 and 4 more transcripts); short protein forms A64T, A49T.
Identifiers: ClinVar variation 651340 (VCV000651340.9), dbSNP rs756909492, ClinGen allele CA814510.

ClinVar aggregate classification (germline): Uncertain significance (1 of 4 stars; one submission).

Conditions:
Developmental and epileptic encephalopathy. Identifiers: MedGen C5779964, MONDO:0100620.

Allele frequency attached by ClinVar (database versions not stated): TOPMed 0.00003; gnomAD 0.00006.
gnomAD v4.1: 132 of 1,614,034 alleles (0.0082%); highest among the groups gnomAD compares: East Asian, 0.027%; no homozygotes.

Submission:

Labcorp Genetics (formerly Invitae), Labcorp
Classification: Uncertain significance for Early-infantile DEE. Last evaluated: 2024-08-05. Review status: criteria provided, single submitter. Criteria: Invitae Variant Classification Sherloc (09022015). Collection method: clinical testing. Allele origin: germline.
Comment: This sequence change replaces alanine, which is neutral and non-polar, with threonine, which is neutral and polar, at codon 49 of the ST3GAL3 protein (p.Ala49Thr). This variant is present in population databases (rs756909492, gnomAD 0.006%). This variant has not been reported in the literature in individuals affected with ST3GAL3-related conditions. ClinVar contains an entry for this variant (Variation ID: 651340). An algorithm developed to predict the effect of missense changes on protein structure and function (PolyPhen-2) suggests that this variant¬†is likely to be tolerated. In summary, the available evidence is currently insufficient to determine the role of this variant in disease. Therefore, it has been classified as a Variant of Uncertain Significance.